The following is an entry in ClinVar:

ClinVar aggregate classification (germline): Uncertain significance. Review status: criteria provided, multiple submitters, no conflicts (2 of 4 stars). 2 submissions from 2 submitters: Uncertain significance (2). Last evaluated 2025-04-11.

Conditions:
Inborn genetic diseases. Identifiers: MedGen C0950123, MeSH D030342.

Submissions (2):

Ambry Genetics
Classification: Uncertain significance for Inborn genetic diseases. Last evaluated: 2025-04-11. Review status: criteria provided, single submitter. Criteria: Ambry Variant Classification Scheme 2023. Collection method: clinical testing. Allele origin: germline.

GeneDx
Classification: Uncertain significance. Last evaluated: 2024-11-19. Review status: criteria provided, single submitter. Criteria: GeneDx Variant Classification Process June 2021. Collection method: clinical testing. Allele origin: germline. Affected: yes.
Comment: Not observed at significant frequency in large population cohorts (gnomAD); In silico analysis supports that this missense variant has a deleterious effect on protein structure/function; Has not been previously published as pathogenic or benign to our knowledge

NM_152268.4(PARS2):c.1234G>A (p.Asp412Asn)

Gene: PARS2 (prolyl-tRNA synthetase 2, mitochondrial; minus strand). Cytogenetic location: 1p32.3.
Variant type: single nucleotide variant.
Coding change: c.1234G>A on transcript NM_152268.4 (MANE Select); coding-DNA position 1234, G replaced by A.
Protein change: p.Asp412Asn; replaces aspartic acid 412 with asparagine.
Molecular consequence: missense variant.
Genome position (GRCh38, 1-based): chr1:54,757,928, C>T on the plus strand (G>A on the coding strand, the complement: PARS2 is on the minus strand). VCF-style: chr1-54757928-C-T. GRCh37 (hg19) VCF-style: chr1-55223601-C-T.
Other names: short protein forms D412N.
Identifiers: ClinVar variation 3899740 (VCV003899740.2).